The following is an entry in ClinVar:

ClinVar aggregate classification (germline): Benign. Review status: criteria provided, multiple submitters, no conflicts (2 of 4 stars). 2 submissions from 2 submitters: Benign (2). Last evaluated 2018-06-14.

Allele frequency attached by ClinVar (database versions not stated): 1000 Genomes Project 0.01378; 1000 Genomes Project 30x 0.01437; TOPMed 0.03578; gnomAD 0.04247 and 0.04428; gnomAD exomes 0.05109.
gnomAD v4.1: 50,630 of 1,022,042 alleles (5%); highest among the groups gnomAD compares: Non-Finnish European, 6.2%; 1,644 homozygotes.

Submissions (2):

GeneDx
Classification: Benign. Last evaluated: 2018-06-14. Review status: criteria provided, single submitter. Criteria: GeneDx Variant Classification (06012015). Collection method: clinical testing. Allele origin: germline. Affected: yes.
Comment: This variant is considered likely benign or benign based on one or more of the following criteria: it is a conservative change, it occurs at a poorly conserved position in the protein, it is predicted to be benign by multiple in silico algorithms, and/or has population frequency not consistent with disease.

Breakthrough Genomics
Classification: Benign. Review status: criteria provided, single submitter. Criteria: ACMG Guidelines, 2015. Collection method: not provided. Allele origin: germline. Inheritance: Autosomal recessive inheritance. Affected: yes.

NM_030962.4(SBF2):c.3111-111C>G

Genes: SBF2 (SET binding factor 2; minus strand), LOC101928008 (uncharacterized LOC101928008; plus strand). Cytogenetic location: 11p15.4.
Variant type: single nucleotide variant.
Coding change: c.3111-111C>G on transcript NM_030962.4 (MANE Select); 111 bases into the intron before coding-DNA position 3111, C replaced by G.
Molecular consequence: intron variant.
Genome position (GRCh38, 1-based): chr11:9,842,881, G>C on the plus strand (C>G on the coding strand, the complement: SBF2 is on the minus strand). VCF-style: chr11-9842881-G-C. GRCh37 (hg19) VCF-style: chr11-9864428-G-C.
Other names: c.2982-111C>G (NM_001386342.1); c.3111-111C>G (NM_001386339.1).
Identifiers: ClinVar variation 670896 (VCV000670896.2), dbSNP rs56254895, ClinGen allele CA15723278.